The following is an entry in ClinVar:

ClinVar aggregate classification (germline): Benign/Likely benign. Review status: criteria provided, multiple submitters, no conflicts (2 of 4 stars). 7 submissions from 7 submitters: Benign (4); Likely benign (2). 1 of the submissions does not count toward it. Last evaluated 2026-02-02.

Conditions:
CNTNAP2-related disorder. Also called: CNTNAP2-related condition.
Inborn genetic diseases. Identifiers: MedGen C0950123, MeSH D030342.
Cortical dysplasia-focal epilepsy syndrome (PTHSL1). Also called: Pitt-Hopkins-like syndrome 1. Identifiers: Orphanet 163681, Orphanet 221150, MedGen C2750246, MONDO:0012400, OMIM 610042.

Allele frequency attached by ClinVar (database versions not stated): gnomAD exomes 0.00194; ExAC 0.00215; ESP Exome Variant Server 0.00684; gnomAD 0.00691 and 0.00749; 1000 Genomes Project 30x 0.00765; TOPMed 0.00769; 1000 Genomes Project 0.00779.
gnomAD v4.1: 2,178 of 1,613,636 alleles (0.13%); highest among the groups gnomAD compares: African/African-American, 2.4%; 34 homozygotes.

Submissions (7):

Labcorp Genetics (formerly Invitae), Labcorp
Classification: Benign for Cortical dysplasia-focal epilepsy syndrome. Last evaluated: 2026-02-02. Review status: criteria provided, single submitter. Criteria: Invitae Variant Classification Sherloc (09022015). Collection method: clinical testing. Allele origin: germline.

Genetic Services Laboratory, University of Chicago
Classification: Benign. Last evaluated: 2018-12-03. Review status: criteria provided, single submitter. Criteria: ACMG Guidelines, 2015. Collection method: clinical testing. Allele origin: germline. Affected: no.

Athena Diagnostics
Classification: Benign. Last evaluated: 2016-09-19. Review status: criteria provided, single submitter. Criteria: Athena Diagnostics Criteria. Collection method: clinical testing. Allele origin: germline.

Ambry Genetics
Classification: Likely benign for Inborn genetic diseases. Last evaluated: 2016-04-15. Review status: criteria provided, single submitter. Criteria: Ambry Variant Classification Scheme 2023. Collection method: clinical testing. Allele origin: germline.

GeneDx
Classification: Benign. Last evaluated: 2013-08-06. Review status: criteria provided, single submitter. Criteria: GeneDx Variant Classification (06012015). Collection method: clinical testing. Allele origin: germline. Affected: yes.
Comment: This variant is considered likely benign or benign based on one or more of the following criteria: it is a conservative change, it occurs at a poorly conserved position in the protein, it is predicted to be benign by multiple in silico algorithms, and/or has population frequency not consistent with disease.

Breakthrough Genomics
Classification: Likely benign. Review status: criteria provided, single submitter. Criteria: ACMG Guidelines, 2015. Collection method: not provided. Allele origin: germline. Inheritance: Autosomal recessive inheritance. Affected: yes.

PreventionGenetics, part of Exact Sciences
Classification: Benign for CNTNAP2-related condition. Last evaluated: 2019-05-10. Review status: no assertion criteria provided. Collection method: clinical testing. Allele origin: germline. Not counted in ClinVar's aggregate classification.
Comment: This variant is classified as benign based on ACMG/AMP sequence variant interpretation guidelines (Richards et al. 2015 PMID: 25741868, with internal and published modifications).

NM_014141.6(CNTNAP2):c.1308C>T (p.Asn436=)

Gene: CNTNAP2 (contactin associated protein 2; plus strand). Cytogenetic location: 7q35.
Variant type: single nucleotide variant.
Coding change: c.1308C>T on transcript NM_014141.6 (MANE Select); coding-DNA position 1308, C replaced by T.
Protein change: p.Asn436=; no amino-acid change (asparagine 436 retained).
Molecular consequence: synonymous variant.
Genome position (GRCh38, 1-based): chr7:147,132,469, C>T. VCF-style: chr7-147132469-C-T. GRCh37 (hg19) VCF-style: chr7-146829561-C-T.
Other names: p.N436N:AAC>AAT.
Identifiers: ClinVar variation 128800 (VCV000128800.25), dbSNP rs79039458, ClinGen allele CA288755.
Genomic context (GRCh38, chr7:147,132,469, plus strand): 5'-GGATAATTTGGGCAATGTGGAGATTGACCTCACTGAAAGCAAAGTGGGTGTTCACATCAA[C>T]ATCACACAGACCAAGATGAGCCAAATCGATATTTCCTCAGGTCAGTGAAACCTATTTGAC-3'
Protein context (NP_054860.1, residues 426-446): LTESKVGVHI[Asn436=]ITQTKMSQID